The following is an entry in ClinVar:

ClinVar aggregate classification (germline): Uncertain significance (1 of 4 stars; one submission).

gnomAD v4.1: 1 of 1,608,504 alleles (0.000062%); highest among the groups gnomAD compares: Admixed American, 0.0017%; no homozygotes.

Submission:

Labcorp Genetics (formerly Invitae), Labcorp
Classification: Uncertain significance. Last evaluated: 2025-12-23. Review status: criteria provided, single submitter. Criteria: Invitae Variant Classification Sherloc (09022015). Collection method: clinical testing. Allele origin: germline.
Comment: This sequence change replaces glycine, which is neutral and non-polar, with alanine, which is neutral and non-polar, at codon 1468 of the COL4A2 protein (p.Gly1468Ala). This variant is present in population databases (no rsID available, gnomAD 0.003%). This variant has not been reported in the literature in individuals affected with COL4A2-related conditions. Experimental studies and prediction algorithms are not available or were not evaluated, and the functional significance of this variant is currently unknown. Algorithms developed to predict the effect of sequence changes on RNA splicing suggest that this variant may disrupt the consensus splice site. In summary, the available evidence is currently insufficient to determine the role of this variant in disease. Therefore, it has been classified as a Variant of Uncertain Significance.

NM_001846.4(COL4A2):c.4403G>C (p.Gly1468Ala)

Genes: COL4A2 (collagen type IV alpha 2 chain; plus strand), COL4A2-AS1 (COL4A2 antisense RNA 1; minus strand). Cytogenetic location: 13q34.
Variant type: single nucleotide variant.
Coding change: c.4403G>C on transcript NM_001846.4 (MANE Select); coding-DNA position 4403, G replaced by C.
Protein change: p.Gly1468Ala; replaces glycine 1468 with alanine.
Molecular consequence: missense variant.
Genome position (GRCh38, 1-based): chr13:110,506,415, G>C. VCF-style: chr13-110506415-G-C. GRCh37 (hg19) VCF-style: chr13-111158762-G-C.
Other names: short protein forms G1468A.
Identifiers: ClinVar variation 4775227 (VCV004775227.1).